The following is an entry in ClinVar:

NM_000093.5(COL5A1):c.4822A>T (p.Met1608Leu)

Genes: COL5A1 (collagen type V alpha 1 chain; plus strand), LOC101448202 (uncharacterized LOC101448202; minus strand). Cytogenetic location: 9q34.3.
Variant type: single nucleotide variant.
Coding change: c.4822A>T on transcript NM_000093.5 (MANE Select); coding-DNA position 4822, A replaced by T.
Protein change: p.Met1608Leu; replaces methionine 1608 with leucine.
Molecular consequence: missense variant.
Genome position (GRCh38, 1-based): chr9:134,824,723, A>T. VCF-style: chr9-134824723-A-T. GRCh37 (hg19) VCF-style: chr9-137716569-A-T.
Other names: c.4822A>T, p.Met1608Leu (NM_001278074.1); short protein forms M1608L.
Identifiers: ClinVar variation 3646565 (VCV003646565.2).
Genomic context (GRCh38, chr9:134,824,723, plus strand): 5'-GACGCCAGCCAGCTGCTGGACGACGGGAATGGCGAGAACTACGTGGACTACGCGGACGGC[A>T]TGGAAGAGATCTTCGGCTCTCTCAACTCTCTGAAGCTGGAGATTGAGCAGATGAAACGGC-3'
Protein context (NP_000084.3, residues 1598-1618): GENYVDYADG[Met1608Leu]EEIFGSLNSL

ClinVar aggregate classification (germline): Uncertain significance (1 of 4 stars; one submission).

Conditions:
Ehlers-Danlos syndrome, classic type, 1 (EDSCL1). Also called: EHLERS-DANLOS SYNDROME, GRAVIS TYPE; EHLERS-DANLOS SYNDROME, SEVERE CLASSIC TYPE; Ehlers-Danlos syndrome, type 1; Ehlers-Danlos Syndrome, Classic Type, COL5A1-Related; EDS I. Identifiers: MedGen C0268335, MONDO:0019567, OMIM 130000.

Submission:

Labcorp Genetics (formerly Invitae), Labcorp
Classification: Uncertain significance for Ehlers-Danlos syndrome, classic type, 1. Last evaluated: 2024-03-18. Review status: criteria provided, single submitter. Criteria: Invitae Variant Classification Sherloc (09022015). Collection method: clinical testing. Allele origin: germline.
Comment: This sequence change replaces methionine, which is neutral and non-polar, with leucine, which is neutral and non-polar, at codon 1608 of the COL5A1 protein (p.Met1608Leu). This variant is not present in population databases (gnomAD no frequency). This variant has not been reported in the literature in individuals affected with COL5A1-related conditions. Advanced modeling of protein sequence and biophysical properties (such as structural, functional, and spatial information, amino acid conservation, physicochemical variation, residue mobility, and thermodynamic stability) performed at Invitae indicates that this missense variant is not expected to disrupt COL5A1 protein function with a negative predictive value of 95%. In summary, the available evidence is currently insufficient to determine the role of this variant in disease. Therefore, it has been classified as a Variant of Uncertain Significance.